The following is an entry in ClinVar:

ClinVar aggregate classification (germline): Uncertain significance. Review status: criteria provided, multiple submitters, no conflicts (2 of 4 stars). 3 submissions from 3 submitters: Uncertain significance (3). Last evaluated 2024-09-04.

Conditions:
Bone osteosarcoma. Also called: Osteosarcoma, somatic. Identifiers: Orphanet 668, MedGen C0585442, MONDO:0002629, OMIM 259500.
Small cell lung carcinoma. Also called: Small cell lung cancer; Lung oat cell carcinoma; SMALL CELL CANCER OF THE LUNG, SOMATIC. Identifiers: Orphanet 70573, MedGen C0149925, MeSH D055752, MONDO:0008433, OMIM 182280, HP:0030357.
Retinoblastoma (RB1). Also called: RETINOBLASTOMA, SOMATIC. Identifiers: Orphanet 790, MedGen C0035335, MeSH D012175, MONDO:0008380, OMIM 180200, HP:0009919. Disease mechanism: loss of function. Inheritance: Both sporadic and heritable forms are tested..
Malignant tumor of urinary bladder. Also called: Bladder cancer; Urinary bladder cancer; Urinary Bladder Neoplasms. Identifiers: MedGen C0005684, MONDO:0001187, OMIM 109800.

Allele frequency attached by ClinVar (database versions not stated): ExAC 0.00001.
gnomAD v4.1: 1 of 1,609,856 alleles (0.000062%); no homozygotes.

Submissions (3):

Revvity Omics, Revvity
Classification: Uncertain significance for Retinoblastoma. Last evaluated: 2024-09-04. Review status: criteria provided, single submitter. Criteria: ACMG Guidelines, 2015. Collection method: clinical testing. Allele origin: germline.

Labcorp Genetics (formerly Invitae), Labcorp
Classification: Uncertain significance for Retinoblastoma. Last evaluated: 2024-07-08. Review status: criteria provided, single submitter. Criteria: Invitae Variant Classification Sherloc (09022015). Collection method: clinical testing. Allele origin: germline.
Comment: This sequence change replaces glycine, which is neutral and non-polar, with valine, which is neutral and non-polar, at codon 893 of the RB1 protein (p.Gly893Val). The frequency data for this variant in the population databases is considered unreliable, as metrics indicate poor data quality at this position in the gnomAD database. This variant has not been reported in the literature in individuals affected with RB1-related conditions. ClinVar contains an entry for this variant (Variation ID: 2145424). Advanced modeling of protein sequence and biophysical properties (such as structural, functional, and spatial information, amino acid conservation, physicochemical variation, residue mobility, and thermodynamic stability) has been performed at Invitae for this missense variant, however the output from this modeling did not meet the statistical confidence thresholds required to predict the impact of this variant on RB1 protein function. In summary, the available evidence is currently insufficient to determine the role of this variant in disease. Therefore, it has been classified as a Variant of Uncertain Significance.

Fulgent Genetics
Classification: Uncertain significance for Malignant tumor of urinary bladder; Retinoblastoma; Small cell lung carcinoma; Bone osteosarcoma. Last evaluated: 2024-06-12. Review status: criteria provided, single submitter. Criteria: ACMG Guidelines, 2015. Collection method: clinical testing. Allele origin: germline.

NM_000321.3(RB1):c.2678G>T (p.Gly893Val)

Gene: RB1 (RB transcriptional corepressor 1; plus strand). Cytogenetic location: 13q14.2.
Variant type: single nucleotide variant.
Coding change: c.2678G>T on transcript NM_000321.3 (MANE Select); coding-DNA position 2678, G replaced by T.
Protein change: p.Gly893Val; replaces glycine 893 with valine.
Molecular consequence: missense variant.
Genome position (GRCh38, 1-based): chr13:48,477,369, G>T. VCF-style: chr13-48477369-G-T. GRCh37 (hg19) VCF-style: chr13-49051505-G-T.
Other names: c.2678G>T, p.Gly893Val (NM_001407165.1); c.128G>T, p.Gly43Val (NM_001407168.1); short protein forms G893V, G43V.
Identifiers: ClinVar variation 2145424 (VCV002145424.6), dbSNP rs764171812, ClinGen allele CA036995.